The following is an entry in ClinVar:

NM_001365480.1(CCDC88A):c.5264G>A (p.Arg1755Lys)

Gene: CCDC88A (coiled-coil domain containing 88A; minus strand). Cytogenetic location: 2p16.1.
Variant type: single nucleotide variant.
Coding change: c.5264G>A on transcript NM_001365480.1 (MANE Select); coding-DNA position 5264, G replaced by A.
Protein change: p.Arg1755Lys; replaces arginine 1755 with lysine.
Molecular consequence: missense variant. On other transcripts: intron variant (1).
Genome position (GRCh38, 1-based): chr2:55,295,884, C>T on the plus strand (G>A on the coding strand, the complement: CCDC88A is on the minus strand). VCF-style: chr2-55295884-C-T. GRCh37 (hg19) VCF-style: chr2-55523020-C-T.
Other names: c.5261G>A, p.Arg1754Lys (NM_001135597.2); c.5180G>A, p.Arg1727Lys (NM_018084.5); c.5195+66G>A (NM_001254943.2); short protein forms R1727K, R1755K, R1754K.
Identifiers: ClinVar variation 1999933 (VCV001999933.1), dbSNP rs2529530883, ClinGen allele CA346911851.
Genomic context (GRCh38, chr2:55,295,884, plus strand): 5'-GGTGTAGGTTTTCCCGCAGAACTAATGAAGTAGGTATCTTCAGTTTTTCGAGGACCAGGT[C>T]TCAAAAACTCAGGCTTAGTTGTCCGTCTATCATAGAAGTCCCCTGGGGTTTTTCCACTTA-3'
Protein context (NP_001352409.1, residues 1745-1765): DRRTTKPEFL[Arg1755Lys]PGPRKTEDTY

ClinVar aggregate classification (germline): Uncertain significance (1 of 4 stars; one submission).

Allele frequency attached by ClinVar (database versions not stated): gnomAD exomes 0.00001.
gnomAD v4.1: 5 of 1,614,074 alleles (0.00031%); highest among the groups gnomAD compares: Non-Finnish European, 0.00042%; no homozygotes.

Submission:

Labcorp Genetics (formerly Invitae), Labcorp
Classification: Uncertain significance. Last evaluated: 2022-08-21. Review status: criteria provided, single submitter. Criteria: Invitae Variant Classification Sherloc (09022015). Collection method: clinical testing. Allele origin: germline.
Comment: This sequence change replaces arginine, which is basic and polar, with lysine, which is basic and polar, at codon 1754 of the CCDC88A protein (p.Arg1754Lys). This variant is not present in population databases (gnomAD no frequency). This variant has not been reported in the literature in individuals affected with CCDC88A-related conditions. Algorithms developed to predict the effect of missense changes on protein structure and function output the following: SIFT: "Tolerated"; PolyPhen-2: "Benign"; Align-GVGD: "Class C0". The lysine amino acid residue is found in multiple mammalian species, which suggests that this missense change does not adversely affect protein function. In summary, the available evidence is currently insufficient to determine the role of this variant in disease. Therefore, it has been classified as a Variant of Uncertain Significance.